The following is an entry in ClinVar:

ClinVar aggregate classification (germline): Uncertain significance (1 of 4 stars; one submission).

Conditions:
Bloom syndrome (BLM). Also called: Bloom-Torre-Machacek syndrome. Identifiers: Orphanet 125, MedGen C0005859, MONDO:0008876, OMIM 210900.

Submission:

Labcorp Genetics (formerly Invitae), Labcorp
Classification: Uncertain significance for Bloom syndrome. Last evaluated: 2024-08-24. Review status: criteria provided, single submitter. Criteria: Invitae Variant Classification Sherloc (09022015). Collection method: clinical testing. Allele origin: germline.
Comment: This sequence change replaces proline, which is neutral and non-polar, with serine, which is neutral and polar, at codon 211 of the BLM protein (p.Pro211Ser). This variant is not present in population databases (gnomAD no frequency). This variant has not been reported in the literature in individuals affected with BLM-related conditions. An algorithm developed to predict the effect of missense changes on protein structure and function outputs the following: PolyPhen-2: "Benign". The serine amino acid residue is found in multiple mammalian species, which suggests that this missense change does not adversely affect protein function. In summary, the available evidence is currently insufficient to determine the role of this variant in disease. Therefore, it has been classified as a Variant of Uncertain Significance.

NM_000057.4(BLM):c.631C>T (p.Pro211Ser)

Gene: BLM (BLM RecQ like helicase; plus strand). Cytogenetic location: 15q26.1.
Variant type: single nucleotide variant.
Coding change: c.631C>T on transcript NM_000057.4 (MANE Select); coding-DNA position 631, C replaced by T.
Protein change: p.Pro211Ser; replaces proline 211 with serine.
Molecular consequence: missense variant. On other transcripts: 5 prime UTR variant (1).
Genome position (GRCh38, 1-based): chr15:90,749,899, C>T. VCF-style: chr15-90749899-C-T. GRCh37 (hg19) VCF-style: chr15-91293129-C-T.
Other names: c.631C>T, p.Pro211Ser (NM_001287246.2, NM_001287247.2); c.-661C>T (NM_001287248.2); short protein forms P211S.
Identifiers: ClinVar variation 3705445 (VCV003705445.2).